The following is an entry in ClinVar:

ClinVar aggregate classification (germline): Uncertain significance (1 of 4 stars; one submission).

Allele frequency attached by ClinVar (database versions not stated): TOPMed below 0.00001.

Submission:

Labcorp Genetics (formerly Invitae), Labcorp
Classification: Uncertain significance. Last evaluated: 2021-09-09. Review status: criteria provided, single submitter. Criteria: Invitae Variant Classification Sherloc (09022015). Collection method: clinical testing. Allele origin: germline.
Comment: In summary, the available evidence is currently insufficient to determine the role of this variant in disease. Therefore, it has been classified as a Variant of Uncertain Significance. Variants that disrupt the consensus splice site are a relatively common cause of aberrant splicing (PMID: 17576681, 9536098). Algorithms developed to predict the effect of sequence changes on RNA splicing suggest that this variant may disrupt the consensus splice site. This variant has been observed in individual(s) with dystrophic epidermolysis bullosa (Invitae). This variant is not present in population databases (ExAC no frequency). This sequence change falls in intron 91 of the COL7A1 gene. It does not directly change the encoded amino acid sequence of the COL7A1 protein. It affects a nucleotide within the consensus splice site of the intron.

Literature cited by the submitters: PubMed 17576681; PubMed 9536098.

NM_000094.4(COL7A1):c.7069-3T>G

Gene: COL7A1 (collagen type VII alpha 1 chain; minus strand). Cytogenetic location: 3p21.31.
Variant type: single nucleotide variant.
Coding change: c.7069-3T>G on transcript NM_000094.4 (MANE Select); 3 bases into the intron before coding-DNA position 7069, T replaced by G.
Molecular consequence: intron variant.
Genome position (GRCh38, 1-based): chr3:48,571,281, A>C on the plus strand (T>G on the coding strand, the complement: COL7A1 is on the minus strand). VCF-style: chr3-48571281-A-C. GRCh37 (hg19) VCF-style: chr3-48608714-A-C.
Identifiers: ClinVar variation 1380426 (VCV001380426.5), dbSNP rs2043901711, ClinGen allele CA1363080820.